The following is an entry in ClinVar:

ClinVar aggregate classification (germline): Uncertain significance (1 of 4 stars; one submission).

Conditions:
Drash syndrome (DDS). Also called: NEPHROPATHY, WILMS TUMOR, AND GENITAL ANOMALIES; WILMS TUMOR AND PSEUDO- OR TRUE HERMAPHRODITISM. Identifiers: Orphanet 220, MedGen C0950121, MONDO:0008682, OMIM 194080.
Wilms tumor 1 (WT1). Also called: Wilms tumor, somatic. Identifiers: Orphanet 654, MedGen CN033288, MONDO:0008679, OMIM 194070.
11p partial monosomy syndrome (WAGR). Also called: WAGR syndrome; WAGR Complex; CHROMOSOME 11p13 DELETION SYNDROME; WAGR Spectrum Disorder. Identifiers: Orphanet 893, MedGen C0206115, MONDO:0008681, OMIM 194072.
Frasier syndrome. Identifiers: Orphanet 347, MedGen C0950122, MeSH D052159, MONDO:0007635, OMIM 136680.

Submission:

Labcorp Genetics (formerly Invitae), Labcorp
Classification: Uncertain significance for Wilms tumor 1; Drash syndrome; 11p partial monosomy syndrome; Frasier syndrome. Last evaluated: 2023-06-16. Review status: criteria provided, single submitter. Criteria: Invitae Variant Classification Sherloc (09022015). Collection method: clinical testing. Allele origin: germline.
Comment: In summary, the available evidence is currently insufficient to determine the role of this variant in disease. Therefore, it has been classified as a Variant of Uncertain Significance. This sequence change replaces phenylalanine, which is neutral and non-polar, with leucine, which is neutral and non-polar, at codon 168 of the WT1 protein (p.Phe168Leu). This variant is not present in population databases (gnomAD no frequency). This variant has not been reported in the literature in individuals affected with WT1-related conditions. Advanced modeling of protein sequence and biophysical properties (such as structural, functional, and spatial information, amino acid conservation, physicochemical variation, residue mobility, and thermodynamic stability) performed at Invitae indicates that this missense variant is not expected to disrupt WT1 protein function.

NM_024426.6(WT1):c.519C>A (p.Phe173Leu)

Genes: WT1 (WT1 transcription factor; minus strand), LOC107982234 (WT1/WT1-AS bi-directional promoter region; plus strand). Cytogenetic location: 11p13.
Variant type: single nucleotide variant.
Coding change: c.519C>A on transcript NM_024426.6 (MANE Select); coding-DNA position 519, C replaced by A.
Protein change: p.Phe173Leu; replaces phenylalanine 173 with leucine.
Molecular consequence: missense variant. On other transcripts: non-coding transcript variant (2).
Genome position (GRCh38, 1-based): chr11:32,434,842, G>T on the plus strand (C>A on the coding strand, the complement: WT1 is on the minus strand). VCF-style: chr11-32434842-G-T. GRCh37 (hg19) VCF-style: chr11-32456388-G-T.
Other names: c.519C>A, p.Phe173Leu (NM_000378.6, NM_001407044.1, NM_001407045.1 and 6 more transcripts); c.504C>A, p.Phe168Leu (NM_024425.2); short protein forms F173L, F168L.
Identifiers: ClinVar variation 2935359 (VCV002935359.3), dbSNP rs2494478021, ClinGen allele CA379964796.